The following is an entry in ClinVar:

ClinVar aggregate classification (germline): Uncertain significance (1 of 4 stars; one submission).

Submission:

GeneDx
Classification: Uncertain significance. Last evaluated: 2023-05-04. Review status: criteria provided, single submitter. Criteria: GeneDx Variant Classification Process June 2021. Collection method: clinical testing. Allele origin: germline. Affected: yes.
Comment: Not observed at significant frequency in large population cohorts (gnomAD); In silico analysis supports that this missense variant does not alter protein structure/function; Has not been previously published as pathogenic or benign to our knowledge

NM_006593.4(TBR1):c.1485C>A (p.Phe495Leu)

Gene: TBR1 (T-box brain transcription factor 1; plus strand). Cytogenetic location: 2q24.2.
Variant type: single nucleotide variant.
Coding change: c.1485C>A on transcript NM_006593.4 (MANE Select); coding-DNA position 1485, C replaced by A.
Protein change: p.Phe495Leu; replaces phenylalanine 495 with leucine.
Molecular consequence: missense variant.
Genome position (GRCh38, 1-based): chr2:161,423,663, C>A. VCF-style: chr2-161423663-C-A. GRCh37 (hg19) VCF-style: chr2-162280174-C-A.
Other names: short protein forms F495L.
Identifiers: ClinVar variation 3343329 (VCV003343329.1).